The following is an entry in ClinVar:

ClinVar aggregate classification (germline): Uncertain significance (1 of 4 stars; one submission).

Allele frequency attached by ClinVar (database versions not stated): gnomAD exomes 0.00001; TOPMed 0.00001.
gnomAD v4.1: 7 of 1,607,552 alleles (0.00044%); highest among the groups gnomAD compares: Non-Finnish European, 0.00059%; no homozygotes.

Submission:

Labcorp Genetics (formerly Invitae), Labcorp
Classification: Uncertain significance. Last evaluated: 2023-02-14. Review status: criteria provided, single submitter. Criteria: Invitae Variant Classification Sherloc (09022015). Collection method: clinical testing. Allele origin: germline.
Comment: In summary, the available evidence is currently insufficient to determine the role of this variant in disease. Therefore, it has been classified as a Variant of Uncertain Significance. Advanced modeling of protein sequence and biophysical properties (such as structural, functional, and spatial information, amino acid conservation, physicochemical variation, residue mobility, and thermodynamic stability) performed at Invitae indicates that this missense variant is expected to disrupt TRRAP protein function. This variant has not been reported in the literature in individuals affected with TRRAP-related conditions. This variant is not present in population databases (gnomAD no frequency). This sequence change replaces leucine, which is neutral and non-polar, with isoleucine, which is neutral and non-polar, at codon 1373 of the TRRAP protein (p.Leu1373Ile).

NM_001375524.1(TRRAP):c.4117C>A (p.Leu1373Ile)

Gene: TRRAP (transformation/transcription domain associated protein; plus strand). Cytogenetic location: 7q22.1.
Variant type: single nucleotide variant.
Coding change: c.4117C>A on transcript NM_001375524.1 (MANE Select); coding-DNA position 4117, C replaced by A.
Protein change: p.Leu1373Ile; replaces leucine 1373 with isoleucine.
Molecular consequence: missense variant.
Genome position (GRCh38, 1-based): chr7:98,937,161, C>A. VCF-style: chr7-98937161-C-A. GRCh37 (hg19) VCF-style: chr7-98534784-C-A.
Other names: c.4117C>A, p.Leu1373Ile (NM_001244580.2, NM_003496.4); short protein forms L1373I.
Identifiers: ClinVar variation 2793898 (VCV002793898.3), dbSNP rs1790593825, ClinGen allele CA368305577.
Genomic context (GRCh38, chr7:98,937,161, plus strand): 5'-TATTTGGGCATCTTTCCAGTTAATAATGGAATTGTCTTGATTTCTCTCCCTGAAGATGCA[C>A]TTGCTGCCTGCAATTACCTTCCTCAGTCCAGGGAGAAAATCATCGCTGCACTCTTCAAAG-3'
Protein context (NP_001362453.1, residues 1363-1383): VPLRIAALNA[Leu1373Ile]AACNYLPQSR